The following is an entry in ClinVar:

NM_000748.3(CHRNB2):c.365+1G>C

Gene: CHRNB2 (cholinergic receptor nicotinic beta 2 subunit; plus strand). Cytogenetic location: 1q21.3.
Variant type: single nucleotide variant.
Coding change: c.365+1G>C on transcript NM_000748.3 (MANE Select); the canonical splice donor site of the intron after coding-DNA position 365, G replaced by C.
Molecular consequence: splice donor variant.
Genome position (GRCh38, 1-based): chr1:154,570,368, G>C. VCF-style: chr1-154570368-G-C. GRCh37 (hg19) VCF-style: chr1-154542844-G-C.
Identifiers: ClinVar variation 3365364 (VCV003365364.1).

ClinVar aggregate classification (germline): Uncertain significance (1 of 4 stars; one submission).

gnomAD v4.1: 2 of 1,588,258 alleles (0.00013%); highest among the groups gnomAD compares: African/African-American, 0.0027%; no homozygotes.

Submission:

GeneDx
Classification: Uncertain significance. Last evaluated: 2023-12-12. Review status: criteria provided, single submitter. Criteria: GeneDx Variant Classification Process June 2021. Collection method: clinical testing. Allele origin: germline. Affected: yes.
Comment: Canonical splice site variant in a gene for which loss-of-function is not a known mechanism of disease; Not observed at significant frequency in large population cohorts (gnomAD); Has not been previously published as pathogenic or benign to our knowledge